The following is an entry in ClinVar:

NM_017780.4(CHD7):c.3421G>A (p.Val1141Met)

Gene: CHD7 (chromodomain helicase DNA binding protein 7; plus strand). Cytogenetic location: 8q12.2.
Variant type: single nucleotide variant.
Coding change: c.3421G>A on transcript NM_017780.4 (MANE Select); coding-DNA position 3421, G replaced by A.
Protein change: p.Val1141Met; replaces valine 1141 with methionine.
Molecular consequence: missense variant. On other transcripts: intron variant (1).
Genome position (GRCh38, 1-based): chr8:60,828,705, G>A. VCF-style: chr8-60828705-G-A. GRCh37 (hg19) VCF-style: chr8-61741264-G-A.
Other names: c.1717-33524G>A (NM_001316690.1); short protein forms V1141M.
Identifiers: ClinVar variation 2770326 (VCV002770326.3), dbSNP rs2487843783, ClinGen allele CA371314198.

ClinVar aggregate classification (germline): Uncertain significance (1 of 4 stars; one submission).

Conditions:
CHARGE syndrome (CHARGE). Also called: Hittner Hirsch Kreh syndrome; CHARGE ASSOCIATION--COLOBOMA, HEART ANOMALY, CHOANAL ATRESIA, RETARDATION, GENITAL AND EAR ANOMALIES; Coloboma, heart anomaly, choanal atresia, retardation, genital and ear anomalies; CHARGE association; Hall-Hittner syndrome. Identifiers: Orphanet 138, MedGen C0265354, MONDO:0008965.

Submission:

Labcorp Genetics (formerly Invitae), Labcorp
Classification: Uncertain significance for CHARGE syndrome. Last evaluated: 2023-10-20. Review status: criteria provided, single submitter. Criteria: Invitae Variant Classification Sherloc (09022015). Collection method: clinical testing. Allele origin: germline.
Comment: This sequence change replaces valine, which is neutral and non-polar, with methionine, which is neutral and non-polar, at codon 1141 of the CHD7 protein (p.Val1141Met). This variant is not present in population databases (gnomAD no frequency). This variant has not been reported in the literature in individuals affected with CHD7-related conditions. Advanced modeling of protein sequence and biophysical properties (such as structural, functional, and spatial information, amino acid conservation, physicochemical variation, residue mobility, and thermodynamic stability) has been performed at Invitae for this missense variant, however the output from this modeling did not meet the statistical confidence thresholds required to predict the impact of this variant on CHD7 protein function. In summary, the available evidence is currently insufficient to determine the role of this variant in disease. Therefore, it has been classified as a Variant of Uncertain Significance.